The following is an entry in ClinVar:

ClinVar aggregate classification (germline): Pathogenic. Review status: criteria provided, multiple submitters, no conflicts (2 of 4 stars). 3 submissions from 3 submitters: Pathogenic (3). Last evaluated 2024-06-06.

Conditions:
Peroxisome biogenesis disorder 2B (PBD2B). Identifiers: Orphanet 44, MedGen C3550234, MONDO:0008736, OMIM 202370.
Peroxisome biogenesis disorder 2A (Zellweger) (PBD2A). Also called: Cerebrohepatorenal syndrome, variant types. Identifiers: Orphanet 912, MedGen C3550273, MONDO:0008954, OMIM 214110.
Rhizomelic chondrodysplasia punctata type 5 (RCDP5). Identifiers: Orphanet 468717, MedGen C4225237, MONDO:0014743, OMIM 616716.

Allele frequency attached by ClinVar (database versions not stated): gnomAD exomes 0.00001 and below 0.00001; ExAC 0.00001.
gnomAD v4.1: 8 of 1,613,978 alleles (0.0005%); highest among the groups gnomAD compares: East Asian, 0.0022%; no homozygotes.

Submissions (3):

Fulgent Genetics
Classification: Pathogenic for Peroxisome biogenesis disorder 2B; Peroxisome biogenesis disorder 2A (Zellweger); Rhizomelic chondrodysplasia punctata type 5. Last evaluated: 2024-06-06. Review status: criteria provided, single submitter. Criteria: ACMG Guidelines, 2015. Collection method: clinical testing. Allele origin: germline.

Labcorp Genetics (formerly Invitae), Labcorp
Classification: Pathogenic for Peroxisome biogenesis disorder 2B. Last evaluated: 2023-10-15. Review status: criteria provided, single submitter. Criteria: Invitae Variant Classification Sherloc (09022015). Collection method: clinical testing. Allele origin: germline.
Comment: This sequence change creates a premature translational stop signal (p.Arg420*) in the PEX5 gene. It is expected to result in an absent or disrupted protein product. Loss-of-function variants in PEX5 are known to be pathogenic (PMID: 18712838, 21031596). This variant is present in population databases (rs777735499, gnomAD 0.002%). This premature translational stop signal has been observed in individual(s) with Zellweger syndrome (PMID: 18712838). ClinVar contains an entry for this variant (Variation ID: 1453131). For these reasons, this variant has been classified as Pathogenic.

Juno Genomics, Hangzhou Juno Genomics, Inc
Classification: Pathogenic for Peroxisome biogenesis disorder 2A (Zellweger); Peroxisome biogenesis disorder 2B; Rhizomelic chondrodysplasia punctata type 5. Review status: criteria provided, single submitter. Criteria: ACMG Guidelines, 2015. Collection method: clinical testing. Allele origin: germline.
Comment: Absent from controls (or at extremely low frequency if recessive) in Genome Aggregation Database.;Null variant in a gene where loss of function (LOF) is a known mechanism of disease.;For recessive disorders, detected in trans with a pathogenic variant.

Literature cited by the submitters: PubMed 18712838 (cited by Labcorp Genetics (formerly Invitae), Labcorp); PubMed 21031596 (cited by Labcorp Genetics (formerly Invitae), Labcorp).

NM_001351132.2(PEX5):c.1258C>T (p.Arg420Ter)

Gene: PEX5 (peroxisomal biogenesis factor 5; plus strand). Cytogenetic location: 12p13.31.
Variant type: single nucleotide variant.
Coding change: c.1258C>T on transcript NM_001351132.2 (MANE Select); coding-DNA position 1258, C replaced by T.
Protein change: p.Arg420Ter; replaces arginine 420 with a stop codon.
Molecular consequence: nonsense.
Genome position (GRCh38, 1-based): chr12:7,208,533, C>T. VCF-style: chr12-7208533-C-T. GRCh37 (hg19) VCF-style: chr12-7361129-C-T.
Other names: c.1234C>T, p.Arg412Ter (NM_000319.5); c.1303C>T, p.Arg435Ter (NM_001131023.2); c.1147C>T, p.Arg383Ter (NM_001131024.2, NM_001351124.3, NM_001351126.2 and 7 more transcripts); c.1258C>T, p.Arg420Ter (NM_001131025.2, NM_001131026.2, NM_001300789.3 and 4 more transcripts); c.1192C>T, p.Arg398Ter (NM_001351135.3, NM_001351138.2); c.1249C>T, p.Arg417Ter (NM_001351136.2); c.1123C>T, p.Arg375Ter (NM_001351139.2, NM_001351140.2, NM_001374649.2); short protein forms R420*, R412*, R435*, R383*, R375*, R398*, R417*.
Identifiers: ClinVar variation 1453131 (VCV001453131.11), dbSNP rs777735499, ClinGen allele CA6426409.